The following is an entry in ClinVar:

NM_001363540.2(DOCK4):c.1192+9C>G

Gene: DOCK4 (dedicator of cytokinesis 4; minus strand). Cytogenetic location: 7q31.1.
Variant type: single nucleotide variant.
Coding change: c.1192+9C>G on transcript NM_001363540.2 (MANE Select); 9 bases into the intron after coding-DNA position 1192, C replaced by G.
Molecular consequence: intron variant.
Genome position (GRCh38, 1-based): chr7:111,915,770, G>C on the plus strand (C>G on the coding strand, the complement: DOCK4 is on the minus strand). VCF-style: chr7-111915770-G-C. GRCh37 (hg19) VCF-style: chr7-111555825-G-C.
Other names: c.1192+9C>G (NM_014705.4).
Identifiers: ClinVar variation 4855840 (VCV004855840.1).

ClinVar aggregate classification (germline): Uncertain significance (1 of 4 stars; one submission).

Conditions:
DOCK4-related disorder. Also called: DOCK4-related condition.

Submission:

3billion
Classification: Uncertain significance for DOCK4-related disorder. Last evaluated: 2026-01-05. Review status: criteria provided, single submitter. Criteria: ACMG Guidelines, 2015. Collection method: clinical testing. Allele origin: germline. Affected: yes.
Comment: The variant is not observed in the gnomAD v4.1.0 dataset. Predicted Consequence/Location: Intron variant In silico tools predict the variant to alter splicing and produce an abnormal transcript [SpliceAI: 0.86 (>=0.2, moderate evidence for spliceogenicity)]. Therefore, this variant is classified as VUS according to the recommendation of ACMG/AMP guideline.